The following is an entry in ClinVar:

ClinVar aggregate classification (germline): Uncertain significance. Review status: criteria provided, multiple submitters, no conflicts (2 of 4 stars). 2 submissions from 2 submitters: Uncertain significance (2). Last evaluated 2026-04-09.

Conditions:
Rhabdoid tumor predisposition syndrome 2 (RTPS2). Identifiers: Orphanet 231108, Orphanet 69077, MedGen C2750074, MONDO:0013224, OMIM 613325.
SMARCA4-related disorder. Also called: SMARCA4-related condition.

Submissions (2):

PreventionGenetics, part of Exact Sciences
Classification: Uncertain significance for SMARCA4-related condition. Last evaluated: 2026-04-09. Review status: criteria provided, single submitter. Criteria: ACMG Guidelines, 2015. Collection method: clinical testing. Allele origin: germline.
Comment: The SMARCA4 c.1279G>A variant is predicted to result in the amino acid substitution p.Asp427Asn. To our knowledge, this variant has not been reported in the literature or in a large population database (gnomAD), indicating this variant is rare. At this time, the clinical significance of this variant is uncertain due to the absence of conclusive functional and genetic evidence.

Labcorp Genetics (formerly Invitae), Labcorp
Classification: Uncertain significance for Rhabdoid tumor predisposition syndrome 2. Last evaluated: 2024-01-09. Review status: criteria provided, single submitter. Criteria: Invitae Variant Classification Sherloc (09022015). Collection method: clinical testing. Allele origin: germline.
Comment: This sequence change replaces aspartic acid, which is acidic and polar, with asparagine, which is neutral and polar, at codon 427 of the SMARCA4 protein (p.Asp427Asn). This variant is not present in population databases (gnomAD no frequency). This variant has not been reported in the literature in individuals affected with SMARCA4-related conditions. ClinVar contains an entry for this variant (Variation ID: 1010188). Advanced modeling of protein sequence and biophysical properties (such as structural, functional, and spatial information, amino acid conservation, physicochemical variation, residue mobility, and thermodynamic stability) has been performed at Invitae for this missense variant, however the output from this modeling did not meet the statistical confidence thresholds required to predict the impact of this variant on SMARCA4 protein function. In summary, the available evidence is currently insufficient to determine the role of this variant in disease. Therefore, it has been classified as a Variant of Uncertain Significance.

NM_003072.5(SMARCA4):c.1279G>A (p.Asp427Asn)

Gene: SMARCA4 (SWI/SNF related BAF chromatin remodeling complex subunit ATPase 4; plus strand). Cytogenetic location: 19p13.2.
Variant type: single nucleotide variant.
Coding change: c.1279G>A on transcript NM_003072.5 (MANE Select); coding-DNA position 1279, G replaced by A.
Protein change: p.Asp427Asn; replaces aspartic acid 427 with asparagine.
Molecular consequence: missense variant. On other transcripts: non-coding transcript variant (1).
Genome position (GRCh38, 1-based): chr19:10,991,183, G>A. VCF-style: chr19-10991183-G-A. GRCh37 (hg19) VCF-style: chr19-11101859-G-A.
Other names: c.1279G>A (NM_001128849.1); c.1279G>A, p.Asp427Asn (NM_001128844.3, NM_001128845.2, NM_001128846.2 and 4 more transcripts); short protein forms D427N.
Identifiers: ClinVar variation 1010188 (VCV001010188.9), dbSNP rs2086528184, ClinGen allele CA404060576.